The following is an entry in ClinVar:

ClinVar aggregate classification (germline): Pathogenic (1 of 4 stars; one submission).

Conditions:
Stromme syndrome (STROMS). Also called: Ciliary dyskinesia, primary, 31; APPLE PEEL SYNDROME WITH MICROCEPHALY AND OCULAR ANOMALIES; Strømme Syndrome. Identifiers: Orphanet 444069, Orphanet 506307, MedGen C1855705, MONDO:0009477, OMIM 243605.

Submission:

CGC Genetics, Unilabs
Classification: Pathogenic for Stromme syndrome. Last evaluated: 2025-10-16. Review status: criteria provided, single submitter. Criteria: ACMG Guidelines, 2015. Collection method: clinical testing. Allele origin: germline. Inheritance: Autosomal recessive inheritance. Affected: yes. Observed: 1 variant allele.
Comment: The NM_016343.4:c.1178_1182del p.(Glu393Glyfs*44) variant, detected in probable homozygosity in exon 8 (of 20) of the CENPF gene, has not been previously described in the literature or in the ClinVar and gnomAD databases. This is a frameshift variant introducing a premature stop codon, predicted to result in the production of a truncated protein and/or a reduction in transcript expression through nonsense-mediated mRNA decay. Based on currently available evidence, this variant should be classified as pathogenic.

NM_016343.4(CENPF):c.1178_1182del (p.Glu393fs)

Gene: CENPF (centromere protein F; plus strand). Cytogenetic location: 1q41.
Variant type: Microsatellite.
Coding change: c.1178_1182del on transcript NM_016343.4 (MANE Select); coding-DNA positions 1178 to 1182, 5 bases deleted (AAAAG; older notation c.1178_1182delAAAAG).
Protein change: p.Glu393fs; shifts the reading frame from glutamic acid 393.
Molecular consequence: frameshift variant.
Genome position (GRCh38, 1-based): chr1:214,629,155-214,629,159, AAAAG deleted; deleting any 5 consecutive bases within chr1:214,629,150-214,629,159 gives the same sequence; the c. name uses the placement nearest the transcript's 3' end. VCF-style (leftmost placement, unchanged base first): chr1-214629149-AAAAAG-A. GRCh37 (hg19) VCF-style: chr1-214802492-AAAAAG-A.
Other names: short protein forms E393fs.
Identifiers: ClinVar variation 4851580 (VCV004851580.1).